The following is an entry in ClinVar:

ClinVar aggregate classification (germline): Uncertain significance. Review status: criteria provided, multiple submitters, no conflicts (2 of 4 stars). 2 submissions from 2 submitters: Uncertain significance (2). Last evaluated 2025-11-22.

Conditions:
Carnitine palmitoyl transferase 1A deficiency. Also called: Carnitine palmitoyltransferase 1A deficiency; CPT I DEFICIENCY; CPT DEFICIENCY, HEPATIC, TYPE I; Carnitine palmitoyltransferase type I deficiency; CPT deficiency, hepatic, type IA. Identifiers: Orphanet 156, MedGen C1829703, MONDO:0009705, OMIM 255120.
CPT1A-related disorder. Also called: CPT1A-related condition.

Allele frequency attached by ClinVar (database versions not stated): TOPMed 0.00001; ESP Exome Variant Server 0.00008.
gnomAD v4.1: 6 of 1,610,698 alleles (0.00037%); highest among the groups gnomAD compares: African/African-American, 0.0013%; no homozygotes.

Submissions (2):

PreventionGenetics, part of Exact Sciences
Classification: Uncertain significance for CPT1A-related condition. Last evaluated: 2025-11-22. Review status: criteria provided, single submitter. Criteria: ACMG Guidelines, 2015. Collection method: clinical testing. Allele origin: germline.
Comment: The CPT1A c.896C>G variant is predicted to result in the amino acid substitution p.Ser299Cys. To our knowledge, this variant has not been reported in the literature. This variant is reported in 0.00090% of alleles in individuals of European (Non-Finnish) descent in gnomAD. At this time, the clinical significance of this variant is uncertain due to the absence of conclusive functional and genetic evidence.

Labcorp Genetics (formerly Invitae), Labcorp
Classification: Uncertain significance for Carnitine palmitoyl transferase 1A deficiency. Last evaluated: 2022-06-28. Review status: criteria provided, single submitter. Criteria: Invitae Variant Classification Sherloc (09022015). Collection method: clinical testing. Allele origin: germline.
Comment: This sequence change replaces serine, which is neutral and polar, with cysteine, which is neutral and slightly polar, at codon 299 of the CPT1A protein (p.Ser299Cys). This variant is present in population databases (rs372454903, gnomAD 0.002%). This variant has not been reported in the literature in individuals affected with CPT1A-related conditions. Algorithms developed to predict the effect of missense changes on protein structure and function are either unavailable or do not agree on the potential impact of this missense change (SIFT: "Tolerated"; PolyPhen-2: "Possibly Damaging"; Align-GVGD: "Class C0"). In summary, the available evidence is currently insufficient to determine the role of this variant in disease. Therefore, it has been classified as a Variant of Uncertain Significance.

NM_001876.4(CPT1A):c.896C>G (p.Ser299Cys)

Gene: CPT1A (carnitine palmitoyltransferase 1A; minus strand). Cytogenetic location: 11q13.3.
Variant type: single nucleotide variant.
Coding change: c.896C>G on transcript NM_001876.4 (MANE Select); coding-DNA position 896, C replaced by G.
Protein change: p.Ser299Cys; replaces serine 299 with cysteine.
Molecular consequence: missense variant.
Genome position (GRCh38, 1-based): chr11:68,793,386, G>C on the plus strand (C>G on the coding strand, the complement: CPT1A is on the minus strand). VCF-style: chr11-68793386-G-C. GRCh37 (hg19) VCF-style: chr11-68560854-G-C.
Other names: c.896C>G, p.Ser299Cys (NM_001031847.3); c.896C>G (NM_001876.3); short protein forms S299C.
Identifiers: ClinVar variation 2202689 (VCV002202689.2), dbSNP rs372454903, ClinGen allele CA6152487.